The following is an entry in ClinVar:

NM_000264.5(PTCH1):c.2212A>T (p.Lys738Ter)

Genes: PTCH1 (patched 1; minus strand), LOC100507346 (uncharacterized LOC100507346; plus strand). Cytogenetic location: 9q22.32.
Variant type: single nucleotide variant.
Coding change: c.2212A>T on transcript NM_000264.5 (MANE Select); coding-DNA position 2212, A replaced by T.
Protein change: p.Lys738Ter; replaces lysine 738 with a stop codon.
Molecular consequence: nonsense. On other transcripts: non-coding transcript variant (2).
Genome position (GRCh38, 1-based): chr9:95,468,789, T>A on the plus strand (A>T on the coding strand, the complement: PTCH1 is on the minus strand). VCF-style: chr9-95468789-T-A. GRCh37 (hg19) VCF-style: chr9-98231071-T-A.
Other names: c.2209A>T, p.Lys737Ter (NM_001083603.3); c.1759A>T, p.Lys587Ter (NM_001083604.3, NM_001083605.3, NM_001083606.3 and 1 more transcripts); c.2056A>T, p.Lys686Ter (NM_001354918.2); c.2014A>T, p.Lys672Ter (NM_001083602.3); short protein forms K686*, K587*, K738*, K672*, K737*.
Identifiers: ClinVar variation 1354901 (VCV001354901.6), dbSNP rs2118026370, ClinGen allele CA374115305.
Genomic context (GRCh38, chr9:95,468,789, plus strand): 5'-GCCTTAAGTTGTGGCAGATTACCTTGGCTTTTGGTTTCAAGAGGAAAGGAGCATAGTGCT[T>A]CTCAGCAAAAGATGAGAGTGTCCACTTCGTACAGGGGGGCTCGAGGCAGTGGAGGCTGGA-3'

ClinVar aggregate classification (germline): Pathogenic (1 of 4 stars; one submission).

Conditions:
Gorlin syndrome. Also called: Basal cell nevus syndrome; Nevoid Basal Cell Carcinoma Syndrome. Identifiers: Orphanet 377, MedGen C0004779, MONDO:0007187.

Submission:

Labcorp Genetics (formerly Invitae), Labcorp
Classification: Pathogenic for Gorlin syndrome. Last evaluated: 2021-07-24. Review status: criteria provided, single submitter. Criteria: Invitae Variant Classification Sherloc (09022015). Collection method: clinical testing. Allele origin: germline.
Comment: This variant has not been reported in the literature in individuals affected with PTCH1-related conditions. For these reasons, this variant has been classified as Pathogenic. This variant is not present in population databases (ExAC no frequency). This sequence change creates a premature translational stop signal (p.Lys738*) in the PTCH1 gene. It is expected to result in an absent or disrupted protein product. Loss-of-function variants in PTCH1 are known to be pathogenic (PMID: 16301862, 16419085).

Literature cited by the submitters: PubMed 16301862; PubMed 16419085.